The following is an entry in ClinVar:

ClinVar aggregate classification (germline): Uncertain significance. Review status: criteria provided, multiple submitters, no conflicts (2 of 4 stars). 2 submissions from 2 submitters: Uncertain significance (2). Last evaluated 2024-03-28.

Conditions:
Cardiovascular phenotype. Identifiers: MedGen CN230736.
Hereditary cancer-predisposing syndrome. Also called: Neoplastic Syndromes, Hereditary; Hereditary neoplastic syndrome; Tumor predisposition; Hereditary Cancer Syndrome. Identifiers: Orphanet 140162, MedGen C0027672, MeSH D009386, MONDO:0015356.

Allele frequency attached by ClinVar (database versions not stated): TOPMed below 0.00001; gnomAD 0.00001.
gnomAD v4.1: 1 of 1,579,574 alleles (0.000063%); highest among the groups gnomAD compares: Non-Finnish European, 0.000086%; no homozygotes.

Submissions (2):

Labcorp Genetics (formerly Invitae), Labcorp
Classification: Uncertain significance. Last evaluated: 2024-03-28. Review status: criteria provided, single submitter. Criteria: Invitae Variant Classification Sherloc (09022015). Collection method: clinical testing. Allele origin: germline.
Comment: This sequence change replaces glutamic acid, which is acidic and polar, with valine, which is neutral and non-polar, at codon 486 of the LZTR1 protein (p.Glu486Val). This variant is not present in population databases (gnomAD no frequency). This variant has not been reported in the literature in individuals affected with LZTR1-related conditions. Advanced modeling of protein sequence and biophysical properties (such as structural, functional, and spatial information, amino acid conservation, physicochemical variation, residue mobility, and thermodynamic stability) performed at Invitae indicates that this missense variant is not expected to disrupt LZTR1 protein function with a negative predictive value of 80%. In summary, the available evidence is currently insufficient to determine the role of this variant in disease. Therefore, it has been classified as a Variant of Uncertain Significance.

Ambry Genetics
Classification: Uncertain significance for Cardiovascular phenotype; Hereditary cancer-predisposing syndrome. Last evaluated: 2024-02-02. Review status: criteria provided, single submitter. Criteria: Ambry Variant Classification Scheme 2023. Collection method: clinical testing. Allele origin: germline.
Comment: The p.E486V variant (also known as c.1457A>T), located in coding exon 14 of the LZTR1 gene, results from an A to T substitution at nucleotide position 1457. The glutamic acid at codon 486 is replaced by valine, an amino acid with dissimilar properties. This amino acid position is conserved. In addition, this alteration is predicted to be tolerated by in silico analysis. Based on the available evidence, the clinical significance of this alteration remains unclear.

NM_006767.4(LZTR1):c.1457A>T (p.Glu486Val)

Gene: LZTR1 (leucine zipper like post translational regulator 1; plus strand). Cytogenetic location: 22q11.21.
Variant type: single nucleotide variant.
Coding change: c.1457A>T on transcript NM_006767.4 (MANE Select); coding-DNA position 1457, A replaced by T.
Protein change: p.Glu486Val; replaces glutamic acid 486 with valine.
Molecular consequence: missense variant.
Genome position (GRCh38, 1-based): chr22:20,994,111, A>T. VCF-style: chr22-20994111-A-T. GRCh37 (hg19) VCF-style: chr22-21348400-A-T.
Other names: c.1457A>T (NM_006767.3); short protein forms E486V.
Identifiers: ClinVar variation 2892844 (VCV002892844.4), dbSNP rs1924714419, ClinGen allele CA410775454.